The following is an entry in ClinVar:

NM_002473.6(MYH9):c.5374G>A (p.Val1792Ile)

Gene: MYH9 (myosin heavy chain 9; minus strand). Cytogenetic location: 22q12.3.
Variant type: single nucleotide variant.
Coding change: c.5374G>A on transcript NM_002473.6 (MANE Select); coding-DNA position 5374, G replaced by A.
Protein change: p.Val1792Ile; replaces valine 1792 with isoleucine.
Molecular consequence: missense variant.
Genome position (GRCh38, 1-based): chr22:36,285,230, C>T on the plus strand (G>A on the coding strand, the complement: MYH9 is on the minus strand). VCF-style: chr22-36285230-C-T. GRCh37 (hg19) VCF-style: chr22-36681276-C-T.
Other names: short protein forms V1792I.
Identifiers: ClinVar variation 2718714 (VCV002718714.3), dbSNP rs2517947312, ClinGen allele CA411373618.
Genomic context (GRCh38, chr22:36,285,230, plus strand): 5'-GGGCGGTGATGGAGGCCTTGTACTTGGACTTGACAGTGCCCTCCATCTCCTGCAGCTTGA[C>T]CTTAAGCTCCTTGTTCTGGCGTTCCAGCTGCTGCCGAGCATTCTCGTTCTTCTGGGCGTG-3'
Protein context (NP_002464.1, residues 1782-1802): QLERQNKELK[Val1792Ile]KLQEMEGTVK

ClinVar aggregate classification (germline): Uncertain significance (1 of 4 stars; one submission).

Submission:

Labcorp Genetics (formerly Invitae), Labcorp
Classification: Uncertain significance. Last evaluated: 2023-06-17. Review status: criteria provided, single submitter. Criteria: Invitae Variant Classification Sherloc (09022015). Collection method: clinical testing. Allele origin: germline.
Comment: This sequence change replaces valine, which is neutral and non-polar, with isoleucine, which is neutral and non-polar, at codon 1792 of the MYH9 protein (p.Val1792Ile). This variant is not present in population databases (gnomAD no frequency). This variant has not been reported in the literature in individuals affected with MYH9-related conditions. Advanced modeling of protein sequence and biophysical properties (such as structural, functional, and spatial information, amino acid conservation, physicochemical variation, residue mobility, and thermodynamic stability) performed at Invitae indicates that this missense variant is not expected to disrupt MYH9 protein function. In summary, the available evidence is currently insufficient to determine the role of this variant in disease. Therefore, it has been classified as a Variant of Uncertain Significance.